The following is an entry in ClinVar:

NM_014588.6(VSX1):c.308T>C (p.Leu103Pro)

Gene: VSX1 (visual system homeobox 1; minus strand). Cytogenetic location: 20p11.21.
Variant type: single nucleotide variant.
Coding change: c.308T>C on transcript NM_014588.6 (MANE Select); coding-DNA position 308, T replaced by C.
Protein change: p.Leu103Pro; replaces leucine 103 with proline.
Molecular consequence: missense variant. On other transcripts: non-coding transcript variant (2).
Genome position (GRCh38, 1-based): chr20:25,081,789, A>G on the plus strand (T>C on the coding strand, the complement: VSX1 is on the minus strand). VCF-style: chr20-25081789-A-G. GRCh37 (hg19) VCF-style: chr20-25062425-A-G.
Other names: c.308T>C, p.Leu103Pro (NM_001256271.2, NM_001256272.2, NM_199425.3); short protein forms L103P.
Identifiers: ClinVar variation 4985326 (VCV004985326.1).

ClinVar aggregate classification (germline): Uncertain significance (1 of 4 stars; one submission).

Conditions:
VSX1-related disorder. Also called: VSX1-related condition.

gnomAD v4.1: 3 of 1,500,056 alleles (0.0002%); highest among the groups gnomAD compares: African/African-American, 0.0029%; no homozygotes.

Submission:

PreventionGenetics, part of Exact Sciences
Classification: Uncertain significance for VSX1-related condition. Last evaluated: 2026-04-01. Review status: criteria provided, single submitter. Criteria: ACMG Guidelines, 2015. Collection method: clinical testing. Allele origin: germline.
Comment: The VSX1 c.308T>C variant is predicted to result in the amino acid substitution p.Leu103Pro. To our knowledge, this variant has not been reported in the literature. This variant is absent in a large population database (gnomAD), indicating this variant is rare. At this time, the clinical significance of this variant is uncertain due to the absence of conclusive functional and genetic evidence.